The following is an entry in ClinVar:

NM_000719.7(CACNA1C):c.6019GCC[3] (p.Ala2008_Arg2009insAla)

Genes: CACNA1C (calcium voltage-gated channel subunit alpha1 C; plus strand), CACNA1C-AS1 (CACNA1C antisense RNA 1; minus strand). Cytogenetic location: 12p13.33.
Variant type: Microsatellite.
Coding change: c.6019GCC[3] on transcript NM_000719.7 (MANE Select); three copies in a row of the 3-base unit GCC starting at c.6019; the reference has two copies in a row; one copy, 3 bases duplicated.
Protein change: p.Ala2008_Arg2009insAla.
Molecular consequence: inframe insertion.
Genome position (GRCh38, 1-based): chr12:2,688,684-2,688,686, GCC duplicated; duplicating any 3 consecutive bases within chr12:2,688,680-2,688,686 gives the same sequence; the position shown is the placement nearest the transcript's 3' end. VCF-style (leftmost placement, unchanged base first): chr12-2688679-G-GCGC. GRCh37 (hg19) VCF-style: chr12-2797845-G-GCGC.
Other names: c.6163GCC[3], p.Ala2056_Arg2057insAla (NM_001129827.2); c.6142GCC[3], p.Ala2049_Arg2050insAla (NM_001129829.2); c.6124GCC[3], p.Ala2043_Arg2044insAla (NM_001129830.3, NM_001167624.3); c.6103GCC[3], p.Ala2036_Arg2037insAla (NM_001129831.2); c.6079GCC[3], p.Ala2028_Arg2029insAla (NM_001129832.2); c.6076GCC[3], p.Ala2027_Arg2028insAla (NM_001129833.2, NM_001129834.2, NM_001129835.2); c.6070GCC[3], p.Ala2025_Arg2026insAla (NM_001129836.2); c.6043GCC[3], p.Ala2016_Arg2017insAla (NM_001129837.2, NM_001129838.2); and 6 more.
Identifiers: ClinVar variation 2102514 (VCV002102514.4), dbSNP rs2534870202, ClinGen allele CA2580615116.
Genomic context (GRCh38, chr12:2,688,679, plus strand): 5'-GCTTCCCATCCATCCACTGCGGCTCCTGGGCTGAGACCACCCCCGGTGGCGGGGGCAGCA[G>GCGC]CGCCGCCCGGAGAGTCCGGCCCGTCTCCCTCATGGTGCCCAGCCAGGCTGGGGCCCCAGG-3'

ClinVar aggregate classification (germline): Uncertain significance (1 of 4 stars; one submission).

Conditions:
Long QT syndrome (LQTS). Identifiers: MedGen C0023976, MeSH D008133, MONDO:0002442. Disease mechanism: loss of function. Inheritance: Various modes of inheritance.

Submission:

Labcorp Genetics (formerly Invitae), Labcorp
Classification: Uncertain significance for Long QT syndrome. Last evaluated: 2022-02-23. Review status: criteria provided, single submitter. Criteria: Invitae Variant Classification Sherloc (09022015). Collection method: clinical testing. Allele origin: germline.
Comment: In summary, the available evidence is currently insufficient to determine the role of this variant in disease. Therefore, it has been classified as a Variant of Uncertain Significance. This variant has not been reported in the literature in individuals affected with CACNA1C-related conditions. This variant is not present in population databases (gnomAD no frequency). This variant, c.6022_6024dup, results in the insertion of 1 amino acid(s) of the CACNA1C protein (p.Ala2008dup), but otherwise preserves the integrity of the reading frame.